The following is an entry in ClinVar:

ClinVar aggregate classification (germline): Benign/Likely benign. Review status: criteria provided, multiple submitters, no conflicts (2 of 4 stars). 9 submissions from 9 submitters: Benign (8); Likely benign (1). Last evaluated 2026-02-04.

Conditions:
Immunodeficiency, common variable, 7. Identifiers: Orphanet 1572, Orphanet 696894, MedGen C3542922, MONDO:0013862, OMIM 614699.

Allele frequency attached by ClinVar (database versions not stated): gnomAD exomes 0.85721 and 0.88153; ESP Exome Variant Server 0.87879; ExAC 0.88354; gnomAD 0.88540 and 0.88740; TOPMed 0.89289; 1000 Genomes Project 30x 0.94207; 1000 Genomes Project 0.94289.
gnomAD v4.1: 1,384,090 of 1,608,866 alleles (86%); highest among the groups gnomAD compares: East Asian, 100%; 597,269 homozygotes.

Submissions (9):

Labcorp Genetics (formerly Invitae), Labcorp
Classification: Benign for Immunodeficiency, common variable, 7. Last evaluated: 2026-02-04. Review status: criteria provided, single submitter. Criteria: Invitae Variant Classification Sherloc (09022015). Collection method: clinical testing. Allele origin: germline.

Women's Health and Genetics/Laboratory Corporation of America, LabCorp
Classification: Benign. Last evaluated: 2026-01-21. Review status: criteria provided, single submitter. Criteria: LabCorp Variant Classification Summary - May 2015. Collection method: clinical testing. Allele origin: germline.

Blueprint Genetics
Classification: Likely benign. Last evaluated: 2024-11-26. Review status: criteria provided, single submitter. Criteria: ACMG Guidelines, 2015. Collection method: clinical testing. Allele origin: germline.

Unidad de Genómica Garrahan, Hospital de Pediatría Garrahan
Classification: Benign. Last evaluated: 2024-01-24. Review status: criteria provided, single submitter. Criteria: ACMG Guidelines, 2015. Collection method: clinical testing. Allele origin: germline. Affected: no. Observed: 93 variant alleles.
Comment: This variant is classified as Benign based on local population frequency. This variant was detected in 98% of patients studied by a panel of primary immunodeficiencies. Number of patients: 93. Only high quality variants are reported.

Genome-Nilou Lab
Classification: Benign for Immunodeficiency, common variable, 7. Last evaluated: 2021-07-30. Review status: criteria provided, single submitter. Criteria: ACMG Guidelines, 2015. Collection method: clinical testing. Allele origin: germline. Affected: no.

GeneDx
Classification: Benign. Last evaluated: 2018-11-10. Review status: criteria provided, single submitter. Criteria: GeneDx Variant Classification Process June 2021. Collection method: clinical testing. Allele origin: germline. Affected: yes.

Mayo Clinic Laboratories, Mayo Clinic
Classification: Benign. Last evaluated: 2016-10-13. Review status: criteria provided, single submitter. Criteria: ACMG Guidelines, 2015. Collection method: clinical testing. Allele origin: germline. Observed: 118 variant alleles.

Laboratory for Molecular Medicine, Mass General Brigham Personalized Medicine
Classification: Benign. Last evaluated: 2016-03-28. Review status: criteria provided, single submitter. Criteria: LMM Criteria. Collection method: clinical testing. Allele origin: germline.
Comment: Variant identified in a genome or exome case(s) and assessed due to predicted null impact of the variant or pathogenic assertions in the literature or databases. Disclaimer: This variant has not undergone full assessment. The following are preliminary notes: Frequency

Breakthrough Genomics
Classification: Benign. Review status: criteria provided, single submitter. Criteria: ACMG Guidelines, 2015. Collection method: not provided. Allele origin: germline. Inheritance: Autosomal recessive inheritance. Affected: yes.

NM_001006658.3(CR2):c.3185C>A (p.Ala1062Glu)

Gene: CR2 (complement C3d receptor 2; plus strand). Cytogenetic location: 1q32.2.
Variant type: single nucleotide variant.
Coding change: c.3185C>A on transcript NM_001006658.3 (MANE Select); coding-DNA position 3185, C replaced by A.
Protein change: p.Ala1062Glu; replaces alanine 1062 with glutamic acid.
Molecular consequence: missense variant.
Genome position (GRCh38, 1-based): chr1:207,480,050, C>A. VCF-style: chr1-207480050-C-A. GRCh37 (hg19) VCF-style: chr1-207653395-C-A.
Other names: c.3008C>A, p.Ala1003Glu (NM_001877.5); short protein forms A1062E, A1003E.
Identifiers: ClinVar variation 402562 (VCV000402562.23), dbSNP rs17617, ClinGen allele CA1369167.